The following is an entry in ClinVar:

NM_000059.4(BRCA2):c.6154dup (p.Ser2052fs)

Gene: BRCA2 (BRCA2 DNA repair associated; plus strand). Cytogenetic location: 13q13.1.
Variant type: Duplication.
Coding change: c.6154dup on transcript NM_000059.4 (MANE Select); coding-DNA position 6154, one base duplicated (T; older notation c.6154dupT).
Protein change: p.Ser2052fs; shifts the reading frame from serine 2052.
Molecular consequence: frameshift variant.
Genome position (GRCh38, 1-based): chr13:32,340,509, T duplicated; the last of 2 consecutive T bases (chr13:32,340,508-32,340,509); duplicating either gives the same sequence. VCF-style (leftmost placement, unchanged base first): chr13-32340507-A-AT. GRCh37 (hg19) VCF-style: chr13-32914644-A-AT.
Other names: short protein forms S2052fs.
Identifiers: ClinVar variation 927713 (VCV000927713.3), dbSNP rs80359562, ClinGen allele CA913188533.

ClinVar aggregate classification (germline): Pathogenic (1 of 4 stars; one submission).

Conditions:
Hereditary cancer-predisposing syndrome. Also called: Neoplastic Syndromes, Hereditary; Hereditary Cancer Syndrome; Tumor predisposition; Hereditary neoplastic syndrome. Identifiers: Orphanet 140162, MedGen C0027672, MeSH D009386, MONDO:0015356.

Submission:

Color Diagnostics, LLC DBA Color Health
Classification: Pathogenic for Hereditary cancer-predisposing syndrome. Last evaluated: 2020-01-15. Review status: criteria provided, single submitter. Criteria: ACMG Guidelines, 2015. Collection method: clinical testing. Allele origin: germline.
Comment: This variant inserts 1 nucleotide in exon 11 of the BRCA2 gene, creating a frameshift and premature translation stop signal. This variant is expected to result in an absent or non-functional protein product. This variant has not been identified in the general population by the Genome Aggregation Database (gnomAD). Loss of BRCA2 function is a known mechanism of disease. Based on the available evidence, this variant is classified as Pathogenic.